The following is an entry in ClinVar:

ClinVar aggregate classification (germline): Uncertain significance. Review status: criteria provided, multiple submitters, no conflicts (2 of 4 stars). 2 submissions from 2 submitters: Uncertain significance (2). Last evaluated 2024-12-11.

Conditions:
Hereditary cancer-predisposing syndrome. Also called: Neoplastic Syndromes, Hereditary; Tumor predisposition; Hereditary Cancer Syndrome; Hereditary neoplastic syndrome. Identifiers: Orphanet 140162, MedGen C0027672, MeSH D009386, MONDO:0015356.
Tumor predisposition syndrome 3 (TPDS3). Also called: Glioma susceptibility 9; LONG TELOMERE SYNDROME, POT1-RELATED; POT1 Tumor Predisposition; Melanoma, cutaneous malignant, susceptibility to, 10. Identifiers: Orphanet 618, MedGen C4014476, MONDO:0014368, OMIM 615848.

Submissions (2):

Ambry Genetics
Classification: Uncertain significance for Hereditary cancer-predisposing syndrome. Last evaluated: 2024-12-11. Review status: criteria provided, single submitter. Criteria: Ambry Variant Classification Scheme 2023. Collection method: clinical testing. Allele origin: germline.
Comment: The p.Y36F variant (also known as c.107A>T), located in coding exon 2 of the POT1 gene, results from an A to T substitution at nucleotide position 107. The tyrosine at codon 36 is replaced by phenylalanine, an amino acid with highly similar properties. This amino acid position is highly conserved in available vertebrate species. In addition, this alteration is predicted to be tolerated by in silico analysis. Based on the available evidence, the clinical significance of this variant remains unclear.

Labcorp Genetics (formerly Invitae), Labcorp
Classification: Uncertain significance for Tumor predisposition syndrome 3. Last evaluated: 2024-12-10. Review status: criteria provided, single submitter. Criteria: Invitae Variant Classification Sherloc (09022015). Collection method: clinical testing. Allele origin: germline.
Comment: This sequence change replaces tyrosine, which is neutral and polar, with phenylalanine, which is neutral and non-polar, at codon 36 of the POT1 protein (p.Tyr36Phe). This variant is not present in population databases (gnomAD no frequency). This variant has not been reported in the literature in individuals affected with POT1-related conditions. Invitae Evidence Modeling of protein sequence and biophysical properties (such as structural, functional, and spatial information, amino acid conservation, physicochemical variation, residue mobility, and thermodynamic stability) indicates that this missense variant is not expected to disrupt POT1 protein function with a negative predictive value of 80%. In summary, the available evidence is currently insufficient to determine the role of this variant in disease. Therefore, it has been classified as a Variant of Uncertain Significance.

NM_015450.3(POT1):c.107A>T (p.Tyr36Phe)

Gene: POT1 (protection of telomeres 1; minus strand). Cytogenetic location: 7q31.33.
Variant type: single nucleotide variant.
Coding change: c.107A>T on transcript NM_015450.3 (MANE Select); coding-DNA position 107, A replaced by T.
Protein change: p.Tyr36Phe; replaces tyrosine 36 with phenylalanine.
Molecular consequence: missense variant. On other transcripts: 5 prime UTR variant (1), non-coding transcript variant (3).
Genome position (GRCh38, 1-based): chr7:124,892,283, T>A on the plus strand (A>T on the coding strand, the complement: POT1 is on the minus strand). VCF-style: chr7-124892283-T-A. GRCh37 (hg19) VCF-style: chr7-124532337-T-A.
Other names: c.-156A>T (NM_001042594.2); c.107A>T (NM_015450.2); short protein forms Y36F.
Identifiers: ClinVar variation 3664988 (VCV003664988.3).